The following is an entry in ClinVar:

ClinVar aggregate classification (germline): Likely benign. Review status: criteria provided, multiple submitters, no conflicts (2 of 4 stars). 4 submissions from 4 submitters: Likely benign (4). Last evaluated 2026-01-01.

Conditions:
Cardiovascular phenotype. Identifiers: MedGen CN230736.
Dilated cardiomyopathy 1O (CMD1O). Also called: CARDIOMYOPATHY, DILATED, WITH VENTRICULAR TACHYCARDIA. Identifiers: Orphanet 154, MedGen C1837839, MONDO:0012062, OMIM 608569.

Allele frequency attached by ClinVar (database versions not stated): gnomAD exomes below 0.00001; gnomAD 0.00001; TOPMed 0.00001.
gnomAD v4.1: 4 of 1,613,640 alleles (0.00025%); highest among the groups gnomAD compares: Non-Finnish European, 0.00034%; no homozygotes.

Submissions (4):

CeGaT Center for Human Genetics Tuebingen
Classification: Likely benign. Last evaluated: 2026-01-01. Review status: criteria provided, single submitter. Criteria: CeGaT Center For Human Genetics Tuebingen Variant Classification Criteria Version 2. Collection method: clinical testing. Allele origin: germline. Affected: yes. Observed: 1 variant allele.
Comment: ABCC9: BP4, BP7

Labcorp Genetics (formerly Invitae), Labcorp
Classification: Likely benign for Dilated cardiomyopathy 1O. Last evaluated: 2025-02-23. Review status: criteria provided, single submitter. Criteria: Invitae Variant Classification Sherloc (09022015). Collection method: clinical testing. Allele origin: germline.

Ambry Genetics
Classification: Likely benign for Cardiovascular phenotype. Last evaluated: 2024-04-08. Review status: criteria provided, single submitter. Criteria: Ambry Variant Classification Scheme 2023. Collection method: clinical testing. Allele origin: germline.

Blueprint Genetics
Classification: Likely benign. Last evaluated: 2023-01-19. Review status: criteria provided, single submitter. Criteria: ACMG Guidelines, 2015. Collection method: clinical testing. Allele origin: germline.

NM_020297.4(ABCC9):c.3270A>T (p.Gly1090=)

Gene: ABCC9 (ATP binding cassette subfamily C member 9; minus strand). Cytogenetic location: 12p12.1.
Variant type: single nucleotide variant.
Coding change: c.3270A>T on transcript NM_020297.4 (MANE Select); coding-DNA position 3270, A replaced by T.
Protein change: p.Gly1090=; no amino-acid change (glycine 1090 retained).
Molecular consequence: synonymous variant.
Genome position (GRCh38, 1-based): chr12:21,844,528, T>A on the plus strand (A>T on the coding strand, the complement: ABCC9 is on the minus strand). VCF-style: chr12-21844528-T-A. GRCh37 (hg19) VCF-style: chr12-21997462-T-A.
Other names: c.3270A>T, p.Gly1090= (NM_001377273.1, NM_005691.4); c.2403A>T, p.Gly801= (NM_001377274.1).
Identifiers: ClinVar variation 2149121 (VCV002149121.10), dbSNP rs1740323767, ClinGen allele CA478870077.